The following is an entry in ClinVar:

ClinVar aggregate classification (germline): Likely benign (1 of 4 stars; one submission).

Conditions:
Blood group, I system (Ii). Identifiers: MedGen C0020717, OMIM 110800.

Allele frequency attached by ClinVar (database versions not stated): gnomAD 0.00011 and 0.00023; TOPMed 0.00019; 1000 Genomes Project 30x 0.00141; 1000 Genomes Project 0.00180.

Submission:

Illumina Laboratory Services, Illumina
Classification: Likely benign for Blood group, I system. Last evaluated: 2018-01-12. Review status: criteria provided, single submitter. Criteria: ICSL Variant Classification Criteria 13 December 2019. Collection method: clinical testing. Allele origin: germline.
Comment: This variant was observed in the ICSL laboratory as part of a predisposition screen in an ostensibly healthy population. It had not been previously curated by ICSL or reported in the Human Gene Mutation Database (HGMD: prior to June 1st, 2018), and was therefore a candidate for classification through an automated scoring system. Utilizing variant allele frequency, disease prevalence and penetrance estimates, and inheritance mode, an automated score was calculated to assess if this variant is too frequent to cause the disease. Based on the score and internal cut-off values, a variant classified as likely benign is not then subjected to further curation. The score for this variant resulted in a classification of likely benign for this disease.

NM_145649.5(GCNT2):c.*2174G>A

Gene: GCNT2 (glucosaminyl (N-acetyl) transferase 2 (I blood group); plus strand). Cytogenetic location: 6p24.2.
Variant type: single nucleotide variant.
Coding change: c.*2174G>A on transcript NM_145649.5 (MANE Select); 2174 bases downstream of the stop codon, G replaced by A.
Molecular consequence: 3 prime UTR variant.
Genome position (GRCh38, 1-based): chr6:10,628,781, G>A. VCF-style: chr6-10628781-G-A. GRCh37 (hg19) VCF-style: chr6-10629014-G-A.
Other names: c.*2174G>A (NM_001374747.1, NM_001491.3, NM_145655.4).
Identifiers: ClinVar variation 906221 (VCV000906221.4), dbSNP rs539707774, ClinGen allele CA134104486.